The following is an entry in ClinVar:

ClinVar aggregate classification (germline): Uncertain significance (1 of 4 stars; one submission).

Conditions:
Renal cysts and diabetes syndrome (RCAD). Also called: Familial hypoplastic, glomerulocystic kidney; MATURITY-ONSET DIABETES OF THE YOUNG, TYPE 5. Identifiers: Orphanet 93111, MedGen C0431693, MONDO:0007669, OMIM 137920.

Submission:

Diagnostics Services (NGS), CSIR - Centre For Cellular And Molecular Biology
Classification: Uncertain significance for Renal cysts and diabetes syndrome. Last evaluated: 2024-01-16. Review status: criteria provided, single submitter. Criteria: ACMG Guidelines, 2015. Collection method: clinical testing. Allele origin: germline. Affected: yes. Observed: 1 variant allele, 1 homozygote.
Comment: The c.1436A>G variant is not present in publicly available population databases like 1000 Genomes, EVS, ExAC, gnomAD, Indian Exome Database or our in-house exome database. This variant has been published in a literature [PMID: 31498910] along with other alternative variants in the same codon causing different amino acid changes (His479Gln, His479Pro, His479Leu, His479Tyr, His479Asp, His479Asn). The variant has not been reported to any clinical databases like ClinVar, Human Genome Mutation Database (HGMD) or OMIM, in any affected individuals. In-silico pathogenicity prediction programs like PolyPhen-2, MutationTaster2, CADD etc predicted this variant to be likely deleterious, however these predictions were not confirmed by published functional studies.

Literature cited by the submitters: PubMed 31498910.

NM_000458.4(HNF1B):c.1436A>G (p.His479Arg)

Gene: HNF1B (HNF1 homeobox B; minus strand). Cytogenetic location: 17q12.
Variant type: single nucleotide variant.
Coding change: c.1436A>G on transcript NM_000458.4 (MANE Select); coding-DNA position 1436, A replaced by G.
Protein change: p.His479Arg; replaces histidine 479 with arginine.
Molecular consequence: missense variant. On other transcripts: intron variant (1).
Genome position (GRCh38, 1-based): chr17:37,701,081, T>C on the plus strand (A>G on the coding strand, the complement: HNF1B is on the minus strand). VCF-style: chr17-37701081-T-C. GRCh37 (hg19) VCF-style: chr17-36061086-T-C.
Other names: c.1358A>G, p.His453Arg (NM_001165923.4); c.1436A>G, p.His479Arg (NM_001411100.1); c.1261+3836A>G (NM_001304286.2); short protein forms H453R, H479R.
Identifiers: ClinVar variation 2687775 (VCV002687775.1), dbSNP rs2511700553, ClinGen allele CA398755508.